The following is an entry in ClinVar:

NM_006767.4(LZTR1):c.1585T>G (p.Tyr529Asp)

Gene: LZTR1 (leucine zipper like post translational regulator 1; plus strand). Cytogenetic location: 22q11.21.
Variant type: single nucleotide variant.
Coding change: c.1585T>G on transcript NM_006767.4 (MANE Select); coding-DNA position 1585, T replaced by G.
Protein change: p.Tyr529Asp; replaces tyrosine 529 with aspartic acid.
Molecular consequence: missense variant.
Genome position (GRCh38, 1-based): chr22:20,994,239, T>G. VCF-style: chr22-20994239-T-G. GRCh37 (hg19) VCF-style: chr22-21348528-T-G.
Other names: short protein forms Y529D.
Identifiers: ClinVar variation 1775795 (VCV001775795.6), dbSNP rs767374538, ClinGen allele CA410776137.
Genomic context (GRCh38, chr22:20,994,239, plus strand): 5'-CTGCACGTGGCCATCCGGGAGGCCGAGGCCCGGCCCTTCGAGGTGCTCATGCAGTTCCTC[T>G]ACACCGACAAGATCAAATACCCACGGAAAGGTCCGCCTGGGTGGGGGTGGAGCAGGGTTG-3'
Protein context (NP_006758.2, residues 519-539): RPFEVLMQFL[Tyr529Asp]TDKIKYPRKG

ClinVar aggregate classification (germline): Uncertain significance. Review status: criteria provided, multiple submitters, no conflicts (2 of 4 stars). 2 submissions from 2 submitters: Uncertain significance (2). Last evaluated 2026-04-16.

Conditions:
Cardiovascular phenotype. Identifiers: MedGen CN230736.
Hereditary cancer-predisposing syndrome. Also called: Neoplastic Syndromes, Hereditary; Tumor predisposition; Hereditary Cancer Syndrome; Hereditary neoplastic syndrome. Identifiers: Orphanet 140162, MedGen C0027672, MeSH D009386, MONDO:0015356.

Submissions (2):

Ambry Genetics
Classification: Uncertain significance for Cardiovascular phenotype; Hereditary cancer-predisposing syndrome. Last evaluated: 2026-04-16. Review status: criteria provided, single submitter. Criteria: Ambry Variant Classification Scheme 2023. Collection method: clinical testing. Allele origin: germline.

Labcorp Genetics (formerly Invitae), Labcorp
Classification: Uncertain significance. Last evaluated: 2025-12-15. Review status: criteria provided, single submitter. Criteria: Invitae Variant Classification Sherloc (09022015). Collection method: clinical testing. Allele origin: germline.
Comment: This sequence change replaces tyrosine, which is neutral and polar, with aspartic acid, which is acidic and polar, at codon 529 of the LZTR1 protein (p.Tyr529Asp). This variant is not present in population databases (gnomAD no frequency). This variant has not been reported in the literature in individuals affected with LZTR1-related conditions. ClinVar contains an entry for this variant (Variation ID: 1775795). Invitae Evidence Modeling of protein sequence and biophysical properties (such as structural, functional, and spatial information, amino acid conservation, physicochemical variation, residue mobility, and thermodynamic stability) indicates that this missense variant is not expected to disrupt LZTR1 protein function with a negative predictive value of 80%. In summary, the available evidence is currently insufficient to determine the role of this variant in disease. Therefore, it has been classified as a Variant of Uncertain Significance.